The following is an entry in ClinVar:

NM_001792.5(CDH2):c.2564_2567dup (p.Leu856fs)

Genes: CDH2 (cadherin 2; minus strand), CDH2-AS1 (CDH2 antisense RNA 1; plus strand). Cytogenetic location: 18q12.1.
Variant type: Duplication.
Coding change: c.2564_2567dup on transcript NM_001792.5 (MANE Select); coding-DNA positions 2564 to 2567, 4 bases duplicated (TGTT; older notation c.2564_2567dupTGTT).
Protein change: p.Leu856fs; shifts the reading frame from leucine 856.
Molecular consequence: frameshift variant.
Genome position (GRCh38, 1-based): chr18:27,952,307-27,952,310, AACA duplicated on the plus strand (TGTT on the coding strand, the reverse complement: CDH2 is on the minus strand). VCF-style (leftmost placement, unchanged base first): chr18-27952306-T-TAACA. GRCh37 (hg19) VCF-style: chr18-25532270-T-TAACA.
Other names: c.2471_2474dup, p.Leu825fs (NM_001308176.2); short protein forms L825fs, L856fs.
Identifiers: ClinVar variation 805765 (VCV000805765.5), dbSNP rs1598982483, ClinGen allele CA915952527.

ClinVar aggregate classification (germline): Likely pathogenic. Review status: criteria provided, single submitter (1 of 4 stars). 4 submissions from 4 submitters: Likely pathogenic (1). 3 of the submissions do not count toward it. Last evaluated 2026-01-29.

Conditions:
Agenesis of corpus callosum, cardiac, ocular, and genital syndrome. Identifiers: MedGen C5394523, MONDO:0030065, OMIM 618929.
Corpus callosum, agenesis of. Also called: Corpus callosum agenesis; Mental retardation hypoplastic corpus callosum preauricular tag; Da silva syndrome; Isolated corpus callosum agenesis; Agenesis of the corpus callosum. Identifiers: Orphanet 200, MedGen C0175754, MONDO:0009022, OMIM 217990, HP:0001274.
Axon pathfinding, cardiac, ocular and genital defects.
Syndromic neurodevelopmental disorder.

Submissions (4):

3billion
Classification: Likely pathogenic for Agenesis of corpus callosum, cardiac, ocular, and genital syndrome. Last evaluated: 2026-01-29. Review status: criteria provided, single submitter. Criteria: ACMG Guidelines, 2015. Collection method: clinical testing. Allele origin: germline. Affected: yes.
Comment: The variant is not observed in the gnomAD v4.1.0 dataset. Predicted Consequence/Location: Frameshift: predicted to result in a loss or disruption of normal protein function through protein truncation. The predicted truncated protein may be shortened by less than 10%. The variant has been previously reported as de novo in a similarly affected individual (PMID: 31585109). The variant has been reported to be associated with CDH2-related disorder (ClinVar ID: VCV000805765 /PMID: 31585109). Therefore, this variant is classified as Likely pathogenic according to the recommendation of ACMG/AMP guideline.

OMIM
Classification: Pathogenic for AGENESIS OF CORPUS CALLOSUM, CARDIAC, OCULAR, AND GENITAL SYNDROME. Last evaluated: 2020-06-26. Review status: no assertion criteria provided. Collection method: literature only. Allele origin: germline. Not counted in ClinVar's aggregate classification.

Core Molecular Diagnostic Lab, McGill University Health Centre
Classification: Pathogenic for Agenesis of corpus callosum; Axon pathfinding, cardiac, ocular and genital defects. Last evaluated: 2019-09-04. Review status: no assertion criteria provided. Criteria: ACMG Guidelines, 2015. Collection method: research. Allele origin: de novo. Affected: yes. Not counted in ClinVar's aggregate classification.

University of Washington Center for Mendelian Genomics, University of Washington
Classification: Likely pathogenic for Syndromic neurodevelopmental disorder. Review status: no assertion criteria provided. Collection method: research. Allele origin: de novo. Affected: yes. Not counted in ClinVar's aggregate classification.

Literature cited by the submitters: PubMed 31585109 (cited by 3 submitters).